The following is an entry in ClinVar:

ClinVar aggregate classification (germline): Uncertain significance (1 of 4 stars; one submission).

Allele frequency attached by ClinVar (database versions not stated): gnomAD 0.00001; ExAC 0.00002; 1000 Genomes Project 30x 0.00016; 1000 Genomes Project 0.00020.
gnomAD v4.1: 11 of 1,614,234 alleles (0.00068%); highest among the groups gnomAD compares: Admixed American, 0.0017%; no homozygotes.

Submission:

Labcorp Genetics (formerly Invitae), Labcorp
Classification: Uncertain significance. Last evaluated: 2022-07-15. Review status: criteria provided, single submitter. Criteria: Invitae Variant Classification Sherloc (09022015). Collection method: clinical testing. Allele origin: germline.
Comment: Algorithms developed to predict the effect of missense changes on protein structure and function are either unavailable or do not agree on the potential impact of this missense change (SIFT: "Deleterious"; PolyPhen-2: "Probably Damaging"; Align-GVGD: "Class C0"). This variant has not been reported in the literature in individuals affected with MCM4-related conditions. This variant is present in population databases (rs199860681, gnomAD 0.002%). This sequence change replaces tyrosine, which is neutral and polar, with histidine, which is basic and polar, at codon 730 of the MCM4 protein (p.Tyr730His). In summary, the available evidence is currently insufficient to determine the role of this variant in disease. Therefore, it has been classified as a Variant of Uncertain Significance.

NM_182746.3(MCM4):c.2188T>C (p.Tyr730His)

Gene: MCM4 (minichromosome maintenance complex component 4; plus strand). Cytogenetic location: 8q11.21.
Variant type: single nucleotide variant.
Coding change: c.2188T>C on transcript NM_182746.3 (MANE Select); coding-DNA position 2188, T replaced by C.
Protein change: p.Tyr730His; replaces tyrosine 730 with histidine.
Molecular consequence: missense variant.
Genome position (GRCh38, 1-based): chr8:47,974,785, T>C. VCF-style: chr8-47974785-T-C. GRCh37 (hg19) VCF-style: chr8-48887345-T-C.
Other names: c.2188T>C, p.Tyr730His (NM_005914.4); short protein forms Y730H.
Identifiers: ClinVar variation 2171691 (VCV002171691.2), dbSNP rs199860681, ClinGen allele CA4742847.